The following is an entry in ClinVar:

ClinVar aggregate classification (germline): Likely benign (1 of 4 stars; one submission).

Conditions:
IFT172-related disorder. Also called: IFT172-related condition; IFT172-related disorders.

Submission:

PreventionGenetics, part of Exact Sciences
Classification: Likely benign for IFT172-related condition. Last evaluated: 2025-06-20. Review status: criteria provided, single submitter. Criteria: ACMG Guidelines, 2015. Collection method: clinical testing. Allele origin: germline.
Comment: This variant is classified as likely benign based on ACMG/AMP sequence variant interpretation guidelines (Richards et al. 2015 PMID: 25741868, with internal and published modifications).

NM_015662.3(IFT172):c.4693T>C (p.Leu1565=)

Genes: IFT172 (intraflagellar transport 172; minus strand), KRTCAP3 (keratinocyte associated protein 3; plus strand). Cytogenetic location: 2p23.3.
Variant type: single nucleotide variant.
Coding change: c.4693T>C on transcript NM_015662.3 (MANE Select); coding-DNA position 4693, T replaced by C.
Protein change: p.Leu1565=; no amino-acid change (leucine 1565 retained).
Molecular consequence: synonymous variant. On other transcripts: 3 prime UTR variant (1).
Genome position (GRCh38, 1-based): chr2:27,446,322, A>G on the plus strand (T>C on the coding strand, the complement: IFT172 is on the minus strand). VCF-style: chr2-27446322-A-G. GRCh37 (hg19) VCF-style: chr2-27669189-A-G.
Other names: c.*27A>G (NM_001168364.2); c.4627T>C, p.Leu1543= (NM_001410739.1).
Identifiers: ClinVar variation 4998213 (VCV004998213.1).
Genomic context (GRCh38, chr2:27,446,322, plus strand): 5'-TGGCAGCAATGCCTGCTTCATAGAAGGCTTTGTCTACAGGTAGTAGCTGGGTGTGACGCA[A>G]GAGTGAAACAGAAAGCCTGGCAGCCACGGTTTCCTGGGATTAAAGTCAAAGCATTATGAA-3'
Protein context (NP_056477.1, residues 1555-1575): TVAARLSVSL[Leu1565=]RHTQLLPVDK